The following is an entry in ClinVar:

NM_080476.5(PIGU):c.566C>T (p.Ala189Val)

Gene: PIGU (phosphatidylinositol glycan anchor biosynthesis class U; minus strand). Cytogenetic location: 20q11.22.
Variant type: single nucleotide variant.
Coding change: c.566C>T on transcript NM_080476.5 (MANE Select); coding-DNA position 566, C replaced by T.
Protein change: p.Ala189Val; replaces alanine 189 with valine.
Molecular consequence: missense variant.
Genome position (GRCh38, 1-based): chr20:34,616,103, G>A on the plus strand (C>T on the coding strand, the complement: PIGU is on the minus strand). VCF-style: chr20-34616103-G-A. GRCh37 (hg19) VCF-style: chr20-33203907-G-A.
Other names: short protein forms A189V.
Identifiers: ClinVar variation 1473406 (VCV001473406.4), dbSNP rs376729351, ClinGen allele CA9822622.
Genomic context (GRCh38, chr20:34,616,103, plus strand): 5'-TGGAGGAGATAGAGGAGTCCTGGGACAAACAAGGTGAGTGGGTACAGAGACTGGTATGTC[G>A]CTAAGGCAAGAAAAATAGCACTGAGGAAAGCACTGCCTGTAAAAAGAAAGAAATGTATGG-3'
Protein context (NP_536724.1, residues 179-199): AFLSAIFLAL[Ala189Val]TYQSLYPLTL

ClinVar aggregate classification (germline): Uncertain significance (1 of 4 stars; one submission).

Allele frequency attached by ClinVar (database versions not stated): gnomAD 0.00004 and 0.00005; gnomAD exomes 0.00005 and 0.00006; ExAC 0.00006; TOPMed 0.00006; ESP Exome Variant Server 0.00008.
gnomAD v4.1: 78 of 1,612,814 alleles (0.0048%); highest among the groups gnomAD compares: South Asian, 0.015%; no homozygotes.

Submission:

Labcorp Genetics (formerly Invitae), Labcorp
Classification: Uncertain significance. Last evaluated: 2025-01-16. Review status: criteria provided, single submitter. Criteria: Invitae Variant Classification Sherloc (09022015). Collection method: clinical testing. Allele origin: germline.
Comment: This sequence change replaces alanine, which is neutral and non-polar, with valine, which is neutral and non-polar, at codon 189 of the PIGU protein (p.Ala189Val). This variant is present in population databases (rs376729351, gnomAD 0.02%). This variant has not been reported in the literature in individuals affected with PIGU-related conditions. ClinVar contains an entry for this variant (Variation ID: 1473406). Invitae Evidence Modeling of protein sequence and biophysical properties (such as structural, functional, and spatial information, amino acid conservation, physicochemical variation, residue mobility, and thermodynamic stability) indicates that this missense variant is not expected to disrupt PIGU protein function with a negative predictive value of 80%. In summary, the available evidence is currently insufficient to determine the role of this variant in disease. Therefore, it has been classified as a Variant of Uncertain Significance.